The following is an entry in ClinVar:

NM_024407.5(NDUFS7):c.343C>T (p.Arg115Cys)

Gene: NDUFS7 (NADH:ubiquinone oxidoreductase core subunit S7; plus strand). Cytogenetic location: 19p13.3.
Variant type: single nucleotide variant.
Coding change: c.343C>T on transcript NM_024407.5 (MANE Select); coding-DNA position 343, C replaced by T.
Protein change: p.Arg115Cys; replaces arginine 115 with cysteine.
Molecular consequence: missense variant.
Genome position (GRCh38, 1-based): chr19:1,390,985, C>T. VCF-style: chr19-1390985-C-T. GRCh37 (hg19) VCF-style: chr19-1390984-C-T.
Other names: c.343C>T, p.Arg115Cys (NM_001363602.2); short protein forms R115C.
Identifiers: ClinVar variation 214834 (VCV000214834.3), dbSNP rs11551664, ClinGen allele CA319981.

ClinVar aggregate classification (germline): Conflicting classifications of pathogenicity. Review status: criteria provided, conflicting classifications (1 of 4 stars). 2 submissions from 2 submitters: Likely pathogenic (1); Uncertain significance (1). Last evaluated 2022-07-14.

Allele frequency attached by ClinVar (database versions not stated): gnomAD 0.00001; gnomAD exomes 0.00001; ExAC 0.00002; TOPMed 0.00002.
gnomAD v4.1: 10 of 1,613,074 alleles (0.00062%); highest among the groups gnomAD compares: Middle Eastern, 0.033%; no homozygotes.

Submissions (2):

Women's Health and Genetics/Laboratory Corporation of America, LabCorp
Classification: Uncertain significance. Last evaluated: 2022-07-14. Review status: criteria provided, single submitter. Criteria: LabCorp Variant Classification Summary - May 2015. Collection method: clinical testing. Allele origin: germline.

GeneDx
Classification: Likely pathogenic. Last evaluated: 2014-09-25. Review status: criteria provided, single submitter. Criteria: GeneDx Variant Classification (06012015). Collection method: clinical testing. Allele origin: germline. Affected: yes.
Comment: p.Arg115Cys (CGC>TGC): c.343 C>T in exon 5 of the NDUFS7 gene (NM_024407.4). The R115C variant that is likely pathogenic, identified in the NDUFS7 gene, has not been published as a mutation, nor has it been reported as a benign polymorphism to our knowledge. The R115C variant is a non-conservative amino acid substitution, which is likely to impact secondary protein structure as these residues differ in charge, size and/or other properties. This substitution occurs at a position that is highly conserved across species and in silico analysis predicts this variant is probably damaging to the protein structure/function. A missense mutation in a nearby residue (V122M) has been reported in association with Leigh syndrome supporting the functional importance of this region of the protein. Therefore, this variant is a strong candidate for a pathogenic mutation, however the possibility that it is a benign variant cannot be excluded. The variant is found in MITONUC-MITOP panel(s).